The following is an entry in ClinVar:

ClinVar aggregate classification (germline): Uncertain significance. Review status: criteria provided, multiple submitters, no conflicts (2 of 4 stars). 4 submissions from 4 submitters: Uncertain significance (4). Last evaluated 2025-11-01.

Conditions:
Cardiovascular phenotype. Identifiers: MedGen CN230736.
Autosomal recessive limb-girdle muscular dystrophy type 2J (LGMDR10). Also called: Limb-girdle muscular dystrophy, type 2J; MUSCULAR DYSTROPHY, LIMB-GIRDLE, AUTOSOMAL RECESSIVE 10. Identifiers: Orphanet 140922, MedGen C1837342, MONDO:0012127, OMIM 608807.
Dilated cardiomyopathy 1G (CMD1G). Identifiers: Orphanet 154, MedGen C1858763, MONDO:0011400, OMIM 604145.

Allele frequency attached by ClinVar (database versions not stated): gnomAD exomes below 0.00001.
gnomAD v4.1: 17 of 1,613,338 alleles (0.0011%); highest among the groups gnomAD compares: Admixed American, 0.0017%; no homozygotes.

Submissions (4):

CeGaT Center for Human Genetics Tuebingen
Classification: Uncertain significance. Last evaluated: 2025-11-01. Review status: criteria provided, single submitter. Criteria: CeGaT Center For Human Genetics Tuebingen Variant Classification Criteria Version 2. Collection method: clinical testing. Allele origin: germline. Affected: yes. Observed: 1 variant allele.
Comment: TTN: PM2

Labcorp Genetics (formerly Invitae), Labcorp
Classification: Uncertain significance for Dilated cardiomyopathy 1G; Autosomal recessive limb-girdle muscular dystrophy type 2J. Last evaluated: 2025-02-22. Review status: criteria provided, single submitter. Criteria: Invitae Variant Classification Sherloc (09022015). Collection method: clinical testing. Allele origin: germline.
Comment: This sequence change replaces valine, which is neutral and non-polar, with isoleucine, which is neutral and non-polar, at codon 22640 of the TTN protein (p.Val22640Ile). This variant is present in population databases (rs750093105, gnomAD 0.0009%). This missense change has been observed in individual(s) with clinical features of autosomal recessive congenital myopathy (internal data). ClinVar contains an entry for this variant (Variation ID: 202815). Experimental studies and prediction algorithms are not available or were not evaluated, and the functional significance of this variant is currently unknown. This variant is located in the A band of TTN (PMID: 25589632). Variants in this region may be relevant for cardiac or neuromuscular disorders (PMID: 25589632, 23975875). In summary, the available evidence is currently insufficient to determine the role of this variant in disease. Therefore, it has been classified as a Variant of Uncertain Significance.

Ambry Genetics
Classification: Uncertain significance for Cardiovascular phenotype. Last evaluated: 2020-01-14. Review status: criteria provided, single submitter. Criteria: Ambry Variant Classification Scheme 2023. Collection method: clinical testing. Allele origin: germline.
Comment: The p.V13575I variant (also known as c.40723G>A), located in coding exon 147 of the TTN gene, results from a G to A substitution at nucleotide position 40723. The valine at codon 13575 is replaced by isoleucine, an amino acid with highly similar properties. This amino acid position is highly conserved in available vertebrate species. In addition, this alteration is predicted to be tolerated by in silico analysis. Since supporting evidence is limited at this time, the clinical significance of this alteration remains unclear.

GeneDx
Classification: Uncertain significance. Last evaluated: 2017-03-02. Review status: criteria provided, single submitter. Criteria: GeneDx Variant Classification (06012015). Collection method: clinical testing. Allele origin: germline. Affected: yes.
Comment: Missense variants in the TTN gene are considered 'unclassified' if they are not previously reported in the literature and do not have >1% frequency in the population to be considered a polymorphism. Research indicates that truncating variants in the TTN gene are expected to account for approximately 25% of familial and 18% of sporadic idiopathic DCM; however, truncating variants in the TTN gene have been reported in approximately 3% of reported control alleles. There has been little investigation into non-truncating variants. (Herman D et al. Truncations of titin causing dilated cardiomyopathy. N Eng J Med 366:619-628, 2012). Therefore, based on the currently available information, it is unclear whether this variant is a pathogenic variant or a rare benign variant.

Literature cited by the submitters: PubMed 25589632 (cited by Labcorp Genetics (formerly Invitae), Labcorp); PubMed 23975875 (cited by Labcorp Genetics (formerly Invitae), Labcorp).

NM_001267550.2(TTN):c.67918G>A (p.Val22640Ile)

Genes: TTN-AS1 (TTN antisense RNA 1; plus strand), TTN (titin; minus strand), LOC126806423 (CDK7 strongly-dependent group 2 enhancer GRCh37_chr2:179443309-179444508; plus strand). Cytogenetic location: 2q31.2.
Variant type: single nucleotide variant.
Coding change: c.67918G>A on transcript NM_001267550.2 (MANE Select); coding-DNA position 67918, G replaced by A.
Protein change: p.Val22640Ile; replaces valine 22640 with isoleucine.
Molecular consequence: missense variant.
Genome position (GRCh38, 1-based): chr2:178,579,112, C>T on the plus strand (G>A on the coding strand, the complement: TTN is on the minus strand). VCF-style: chr2-178579112-C-T. GRCh37 (hg19) VCF-style: chr2-179443839-C-T.
Other names: p.V20999I:GTT>ATT; c.62995G>A, p.Val20999Ile (NM_001256850.1); c.40723G>A, p.Val13575Ile (NM_003319.4); c.60214G>A, p.Val20072Ile (NM_133378.4); c.41098G>A, p.Val13700Ile (NM_133432.3); c.41299G>A, p.Val13767Ile (NM_133437.4); short protein forms V20999I, V22640I, V13575I, V13767I, V13700I, V20072I.
Identifiers: ClinVar variation 202815 (VCV000202815.18), dbSNP rs750093105, ClinGen allele CA310373.
Genomic context (GRCh38, chr2:178,579,112, plus strand): 5'-CTTCTGCTGTGACTTCATCAAATTTGATTGGTCCAGTGGGGATGCCAGGCTTGCCAACAA[C>T]CTTTATGGAGATAGTTCCTTCCTTGGTGCCAGCAACATTCTTAAGTGTGATTGTGTATTT-3'
Protein context (NP_001254479.2, residues 22630-22650): GTKEGTISIK[Val22640Ile]VGKPGIPTGP